The following is an entry in ClinVar:

NM_001854.4(COL11A1):c.1636C>A (p.Pro546Thr)

Gene: COL11A1 (collagen type XI alpha 1 chain; minus strand). Cytogenetic location: 1p21.1.
Variant type: single nucleotide variant.
Coding change: c.1636C>A on transcript NM_001854.4 (MANE Select); coding-DNA position 1636, C replaced by A.
Protein change: p.Pro546Thr; replaces proline 546 with threonine.
Molecular consequence: missense variant. On other transcripts: non-coding transcript variant (1).
Genome position (GRCh38, 1-based): chr1:103,008,510, G>T on the plus strand (C>A on the coding strand, the complement: COL11A1 is on the minus strand). VCF-style: chr1-103008510-G-T. GRCh37 (hg19) VCF-style: chr1-103474066-G-T.
Other names: c.1288C>A, p.Pro430Thr (NM_001168249.1, NM_080630.4); c.1519C>A, p.Pro507Thr (NM_001190709.2); c.1672C>A, p.Pro558Thr (NM_080629.3); short protein forms P430T, P558T, P507T, P546T.
Identifiers: ClinVar variation 2000631 (VCV002000631.4), dbSNP rs777447423, ClinGen allele CA341175600.

ClinVar aggregate classification (germline): Uncertain significance (1 of 4 stars; one submission).

Submission:

Labcorp Genetics (formerly Invitae), Labcorp
Classification: Uncertain significance. Last evaluated: 2022-05-29. Review status: criteria provided, single submitter. Criteria: Invitae Variant Classification Sherloc (09022015). Collection method: clinical testing. Allele origin: germline.
Comment: Advanced modeling of protein sequence and biophysical properties (such as structural, functional, and spatial information, amino acid conservation, physicochemical variation, residue mobility, and thermodynamic stability) performed at Invitae indicates that this missense variant is not expected to disrupt COL11A1 protein function. This variant has not been reported in the literature in individuals affected with COL11A1-related conditions. In summary, the available evidence is currently insufficient to determine the role of this variant in disease. Therefore, it has been classified as a Variant of Uncertain Significance. This sequence change replaces proline, which is neutral and non-polar, with threonine, which is neutral and polar, at codon 546 of the COL11A1 protein (p.Pro546Thr). This variant is not present in population databases (gnomAD no frequency).